The following is an entry in ClinVar:

ClinVar aggregate classification (germline): Uncertain significance (1 of 4 stars; one submission).

Submission:

GeneDx
Classification: Uncertain significance. Last evaluated: 2022-06-27. Review status: criteria provided, single submitter. Criteria: GeneDx Variant Classification Process June 2021. Collection method: clinical testing. Allele origin: germline. Affected: yes.
Comment: Nonsense variant predicted to result in protein truncation or nonsense mediated decay in a gene or region of a gene for which loss of function is not a well-established mechanism of disease; Not observed at significant frequency in large population cohorts (gnomAD); Has not been previously published as pathogenic or benign to our knowledge

NM_001378328.1(CELSR1):c.555C>A (p.Cys185Ter)

Gene: CELSR1 (cadherin EGF LAG seven-pass G-type receptor 1; minus strand). Cytogenetic location: 22q13.31.
Variant type: single nucleotide variant.
Coding change: c.555C>A on transcript NM_001378328.1 (MANE Select); coding-DNA position 555, C replaced by A.
Protein change: p.Cys185Ter; replaces cysteine 185 with a stop codon.
Molecular consequence: nonsense.
Genome position (GRCh38, 1-based): chr22:46,536,616, G>T on the plus strand (C>A on the coding strand, the complement: CELSR1 is on the minus strand). VCF-style: chr22-46536616-G-T. GRCh37 (hg19) VCF-style: chr22-46932513-G-T.
Other names: c.555C>A, p.Cys185Ter (NM_014246.4); short protein forms C185*.
Identifiers: ClinVar variation 1810026 (VCV001810026.1), dbSNP rs2518414961, ClinGen allele CA411953846.